The following is an entry in ClinVar:

NM_001363118.2(SLC52A2):c.245G>C (p.Arg82Pro)

Gene: SLC52A2 (solute carrier family 52 member 2; plus strand). Cytogenetic location: 8q24.3.
Variant type: single nucleotide variant.
Coding change: c.245G>C on transcript NM_001363118.2 (MANE Select); coding-DNA position 245, G replaced by C.
Protein change: p.Arg82Pro; replaces arginine 82 with proline.
Molecular consequence: missense variant. On other transcripts: non-coding transcript variant (1), intron variant (1).
Genome position (GRCh38, 1-based): chr8:144,359,737, G>C. VCF-style: chr8-144359737-G-C. GRCh37 (hg19) VCF-style: chr8-145583397-G-C.
Other names: c.245G>C, p.Arg82Pro (NM_001253815.2, NM_001253816.2, NM_001363120.2 and 2 more transcripts); c.130+314G>C (NM_001363122.2); short protein forms R82P.
Identifiers: ClinVar variation 246544 (VCV000246544.9), dbSNP rs377110942, ClinGen allele CA10584288.

ClinVar aggregate classification (germline): Uncertain significance. Review status: criteria provided, multiple submitters, no conflicts (2 of 4 stars). 2 submissions from 2 submitters: Uncertain significance (2). Last evaluated 2021-04-17.

Conditions:
Brown-Vialetto-van Laere syndrome 2. Also called: SPINOCEREBELLAR ATAXIA WITH BLINDNESS AND DEAFNESS 2; Riboflavin transporter deficiency type 2. Identifiers: Orphanet 572543, Orphanet 97229, MedGen C3553538, MONDO:0013867, OMIM 614707.

Allele frequency attached by ClinVar (database versions not stated): TOPMed 0.00002; gnomAD 0.00003.

Submissions (2):

Labcorp Genetics (formerly Invitae), Labcorp
Classification: Uncertain significance for Brown-Vialetto-van Laere syndrome 2. Last evaluated: 2021-04-17. Review status: criteria provided, single submitter. Criteria: Invitae Variant Classification Sherloc (09022015). Collection method: clinical testing. Allele origin: germline.
Comment: Algorithms developed to predict the effect of missense changes on protein structure and function (SIFT, PolyPhen-2, Align-GVGD) all suggest that this variant is likely to be tolerated, but these predictions have not been confirmed by published functional studies and their clinical significance is uncertain. This variant has not been reported in the literature in individuals with SLC52A2-related conditions. ClinVar contains an entry for this variant (Variation ID: 246544). This variant is not present in population databases (ExAC no frequency). This sequence change replaces arginine with proline at codon 82 of the SLC52A2 protein (p.Arg82Pro). The arginine residue is moderately conserved and there is a moderate physicochemical difference between arginine and proline. In summary, the available evidence is currently insufficient to determine the role of this variant in disease. Therefore, it has been classified as a Variant of Uncertain Significance.

GeneDx
Classification: Uncertain significance. Last evaluated: 2016-04-04. Review status: criteria provided, single submitter. Criteria: GeneDx Variant Classification (06012015). Collection method: clinical testing. Allele origin: germline. Affected: yes.
Comment: The R82P variant in the SLC52A2 gene has not been reported previously as a pathogenic variant, nor as a benign variant, to our knowledge. This variant was not observed in approximately 6500 individuals of European and African American ancestry in the NHLBI Exome Sequencing Project, indicating it is not a common benign variant in these populations. The R82P variant is a non-conservative amino acid substitution, which is likely to impact secondary protein structure as these residues differ in polarity, charge, size and/or other properties. This substitution occurs at a position that is not conserved. In silico analysis is inconsistent in its predictions as to whether or not the variant is damaging to the protein structure/function. We interpret R82P as a variant of uncertain significance.